The following is an entry in ClinVar:

NM_173689.7(CRB2):c.1967G>A (p.Ser656Asn)

Gene: CRB2 (crumbs cell polarity complex component 2; plus strand). Cytogenetic location: 9q33.3.
Variant type: single nucleotide variant.
Coding change: c.1967G>A on transcript NM_173689.7 (MANE Select); coding-DNA position 1967, G replaced by A.
Protein change: p.Ser656Asn; replaces serine 656 with asparagine.
Molecular consequence: missense variant. On other transcripts: non-coding transcript variant (1).
Genome position (GRCh38, 1-based): chr9:123,371,109, G>A. VCF-style: chr9-123371109-G-A. GRCh37 (hg19) VCF-style: chr9-126133388-G-A.
Other names: short protein forms S656N.
Identifiers: ClinVar variation 1015708 (VCV001015708.8), dbSNP rs1386660838, ClinGen allele CA374864598.

ClinVar aggregate classification (germline): Uncertain significance (1 of 4 stars; one submission).

Allele frequency attached by ClinVar (database versions not stated): gnomAD exomes below 0.00001 and 0.00002.

Submission:

Labcorp Genetics (formerly Invitae), Labcorp
Classification: Uncertain significance. Last evaluated: 2020-08-29. Review status: criteria provided, single submitter. Criteria: Invitae Variant Classification Sherloc (09022015). Collection method: clinical testing. Allele origin: germline.
Comment: This sequence change replaces serine with asparagine at codon 656 of the CRB2 protein (p.Ser656Asn). The serine residue is highly conserved and there is a small physicochemical difference between serine and asparagine. In summary, the available evidence is currently insufficient to determine the role of this variant in disease. Therefore, it has been classified as a Variant of Uncertain Significance. Advanced modeling of protein sequence and biophysical properties (such as structural, functional, and spatial information, amino acid conservation, physicochemical variation, residue mobility, and thermodynamic stability) performed at Invitae indicates that this missense variant is not expected to disrupt CRB2 protein function. This variant has not been reported in the literature in individuals with CRB2-related conditions. This variant is not present in population databases (ExAC no frequency).